The following is an entry in ClinVar:

NM_007194.4(CHEK2):c.139C>T (p.Pro47Ser)

Gene: CHEK2 (checkpoint kinase 2; minus strand). Cytogenetic location: 22q12.1.
Variant type: single nucleotide variant.
Coding change: c.139C>T on transcript NM_007194.4 (MANE Select); coding-DNA position 139, C replaced by T.
Protein change: p.Pro47Ser; replaces proline 47 with serine.
Molecular consequence: missense variant. On other transcripts: 5 prime UTR variant (1), intron variant (1).
Genome position (GRCh38, 1-based): chr22:28,734,583, G>A on the plus strand (C>T on the coding strand, the complement: CHEK2 is on the minus strand). VCF-style: chr22-28734583-G-A. GRCh37 (hg19) VCF-style: chr22-29130571-G-A.
Other names: c.139C>T, p.Pro47Ser (NM_001005735.3, NM_001349956.3, NM_001438293.1 and 3 more transcripts); c.-639C>T (NM_001257387.3); c.-345+7186C>T (NM_001437942.1); short protein forms P47S.
Identifiers: ClinVar variation 4715708 (VCV004715708.1).
Genomic context (GRCh38, chr22:28,734,583, plus strand): 5'-ACACTGTCTCTAAGGAGCTCAGTGTCCCAGAGCTGGAGTGAGAGGACTGGCTGGAGTTTG[G>A]CATCGTGCTGGTAGAGGAGCTGGATATGCCCTGGGACTGTGAGGAGGAGCCTTGGGACTG-3'
Protein context (NP_009125.1, residues 37-57): GISSSSTSTM[Pro47Ser]NSSQSSHSSS

ClinVar aggregate classification (germline): Uncertain significance (1 of 4 stars; one submission).

Conditions:
Familial cancer of breast. Also called: hereditary breast carcinoma; BREAST CANCER, FAMILIAL; Hereditary breast cancer. Identifiers: Orphanet 227535, MedGen C0346153, MONDO:0016419, OMIM 114480. Disease mechanism: loss of function.

Submission:

Labcorp Genetics (formerly Invitae), Labcorp
Classification: Uncertain significance for Familial cancer of breast. Last evaluated: 2025-03-23. Review status: criteria provided, single submitter. Criteria: Invitae Variant Classification Sherloc (09022015). Collection method: clinical testing. Allele origin: germline.
Comment: This sequence change replaces proline, which is neutral and non-polar, with serine, which is neutral and polar, at codon 47 of the CHEK2 protein (p.Pro47Ser). This variant is not present in population databases (gnomAD no frequency). This variant has not been reported in the literature in individuals affected with CHEK2-related conditions. An algorithm developed to predict the effect of missense changes on protein structure and function (PolyPhen-2) suggests that this variant is likely to be tolerated. In summary, the available evidence is currently insufficient to determine the role of this variant in disease. Therefore, it has been classified as a Variant of Uncertain Significance.